The following is an entry in ClinVar:

ClinVar aggregate classification (germline): Likely benign. Review status: criteria provided, multiple submitters, no conflicts (2 of 4 stars). 3 submissions from 3 submitters: Likely benign (2). 1 of the submissions does not count toward it. Last evaluated 2025-11-24.

Conditions:
GPR179-related disorder. Also called: GPR179-related condition.

Allele frequency attached by ClinVar (database versions not stated): TOPMed 0.00002; gnomAD 0.00003; gnomAD exomes 0.00003 and 0.00006; ExAC 0.00004.
gnomAD v4.1: 47 of 1,589,098 alleles (0.003%); highest among the groups gnomAD compares: Non-Finnish European, 0.00026%; no homozygotes.

Submissions (3):

Labcorp Genetics (formerly Invitae), Labcorp
Classification: Likely benign. Last evaluated: 2025-11-24. Review status: criteria provided, single submitter. Criteria: Invitae Variant Classification Sherloc (09022015). Collection method: clinical testing. Allele origin: germline.

Blueprint Genetics
Classification: Likely benign. Last evaluated: 2024-10-04. Review status: criteria provided, single submitter. Criteria: ACMG Guidelines, 2015. Collection method: clinical testing. Allele origin: germline.

PreventionGenetics, part of Exact Sciences
Classification: Likely benign for GPR179-related condition. Last evaluated: 2019-06-03. Review status: no assertion criteria provided. Collection method: clinical testing. Allele origin: germline. Not counted in ClinVar's aggregate classification.
Comment: This variant is classified as likely benign based on ACMG/AMP sequence variant interpretation guidelines (Richards et al. 2015 PMID: 25741868, with internal and published modifications).

NM_001004334.4(GPR179):c.2337G>A (p.Arg779=)

Gene: GPR179 (G protein-coupled receptor 179; minus strand). Cytogenetic location: 17q12.
Variant type: single nucleotide variant.
Coding change: c.2337G>A on transcript NM_001004334.4 (MANE Select); coding-DNA position 2337, G replaced by A.
Protein change: p.Arg779=; no amino-acid change (arginine 779 retained).
Molecular consequence: synonymous variant.
Genome position (GRCh38, 1-based): chr17:38,331,232, C>T on the plus strand (G>A on the coding strand, the complement: GPR179 is on the minus strand). VCF-style: chr17-38331232-C-T. GRCh37 (hg19) VCF-style: chr17-36487115-C-T.
Other names: c.2337G>A (NM_001004334.3).
Identifiers: ClinVar variation 1657572 (VCV001657572.11), dbSNP rs773509941, ClinGen allele CA290105921.